The following is an entry in ClinVar:

NM_006390.4(IPO8):c.433A>G (p.Ser145Gly)

Gene: IPO8 (importin 8; minus strand). Cytogenetic location: 12p11.21.
Variant type: single nucleotide variant.
Coding change: c.433A>G on transcript NM_006390.4 (MANE Select); coding-DNA position 433, A replaced by G.
Protein change: p.Ser145Gly; replaces serine 145 with glycine.
Molecular consequence: missense variant.
Genome position (GRCh38, 1-based): chr12:30,681,708, T>C on the plus strand (A>G on the coding strand, the complement: IPO8 is on the minus strand). VCF-style: chr12-30681708-T-C. GRCh37 (hg19) VCF-style: chr12-30834642-T-C.
Other names: short protein forms S145G.
Identifiers: ClinVar variation 2582903 (VCV002582903.25), dbSNP rs955628978, ClinGen allele CA234477977.
Genomic context (GRCh38, chr12:30,681,708, plus strand): 5'-AACCAACTTACTCATATGTCTTCACCAGTTGATACAGGCATAATAAACTGCCAAGCCAGC[T>C]TGCACTGCTCTGTGATTGCAAGTAATAGTCTATCTTGTCGACCACTCCTGGCCAGTGACC-3'
Protein context (NP_006381.2, residues 135-155): DYYLQSQSSA[Ser145Gly]WLGSLLCLYQ

ClinVar aggregate classification (germline): Uncertain significance (1 of 4 stars; one submission).

Submission:

CeGaT Center for Human Genetics Tuebingen
Classification: Uncertain significance. Last evaluated: 2023-09-01. Review status: criteria provided, single submitter. Criteria: CeGaT Center For Human Genetics Tuebingen Variant Classification Criteria Version 2. Collection method: clinical testing. Allele origin: germline. Affected: yes. Observed: 1 variant allele.
Comment: IPO8: PM2, BP4